The following is an entry in ClinVar:

ClinVar aggregate classification (germline): Uncertain significance (1 of 4 stars; one submission).

gnomAD v4.1: 1 of 1,551,482 alleles (0.000064%); highest among the groups gnomAD compares: Middle Eastern, 0.017%; no homozygotes.

Submission:

CeGaT Center for Human Genetics Tuebingen
Classification: Uncertain significance. Last evaluated: 2024-08-01. Review status: criteria provided, single submitter. Criteria: CeGaT Center For Human Genetics Tuebingen Variant Classification Criteria Version 2. Collection method: clinical testing. Allele origin: germline. Affected: yes. Observed: 1 variant allele.
Comment: CDH23: PM2, PVS1:Moderate

NM_022124.6(CDH23):c.9634-2A>C

Gene: CDH23 (cadherin related 23; plus strand). Cytogenetic location: 10q22.1.
Variant type: single nucleotide variant.
Coding change: c.9634-2A>C on transcript NM_022124.6 (MANE Select); the canonical splice acceptor site of the intron before coding-DNA position 9634, A replaced by C.
Molecular consequence: splice acceptor variant. On other transcripts: intron variant (2).
Genome position (GRCh38, 1-based): chr10:71,813,242, A>C. VCF-style: chr10-71813242-A-C. GRCh37 (hg19) VCF-style: chr10-73572999-A-C.
Other names: c.2914-2A>C (NM_001171933.1); c.2913+352A>C (NM_001171934.1); c.325-2A>C (NM_001171935.1); c.324+352A>C (NM_001171936.1).
Identifiers: ClinVar variation 3342064 (VCV003342064.16).